The following is an entry in ClinVar:

ClinVar aggregate classification (germline): Uncertain significance (1 of 4 stars; one submission).

Conditions:
Alstrom syndrome (ALMS). Identifiers: Orphanet 64, MedGen C0268425, MONDO:0008763, OMIM 203800.

Submission:

Labcorp Genetics (formerly Invitae), Labcorp
Classification: Uncertain significance for Alstrom syndrome. Last evaluated: 2022-03-24. Review status: criteria provided, single submitter. Criteria: Invitae Variant Classification Sherloc (09022015). Collection method: clinical testing. Allele origin: germline.
Comment: This variant is not present in population databases (gnomAD no frequency). In summary, the available evidence is currently insufficient to determine the role of this variant in disease. Therefore, it has been classified as a Variant of Uncertain Significance. Experimental studies and prediction algorithms are not available or were not evaluated, and the functional significance of this variant is currently unknown. This variant has not been reported in the literature in individuals affected with ALMS1-related conditions. This variant, c.35_36insCGAGGAGGAGGA, results in the insertion of 4 amino acid(s) of the ALMS1 protein (p.Glu26_Glu29dup), but otherwise preserves the integrity of the reading frame.

NM_001378454.1(ALMS1):c.35_36insCGAGGAGGAGGAGGA (p.Glu28_Ala29insGluGluGluGluGlu)

Gene: ALMS1 (ALMS1 centrosome and basal body associated protein; plus strand). Cytogenetic location: 2p13.1.
Variant type: Insertion.
Coding change: c.35_36insCGAGGAGGAGGAGGA on transcript NM_001378454.1 (MANE Select); coding-DNA positions 35 to 36, CGAGGAGGAGGAGGA inserted.
Protein change: p.Glu28_Ala29insGluGluGluGluGlu.
Molecular consequence: inframe insertion.
Genome position: GRCh38 VCF-style: chr2-73385903-T-TCGAGGAGGAGGAGGA. GRCh37 (hg19) VCF-style: chr2-73613031-T-TCGAGGAGGAGGAGGA.
Other names: c.38_39insCGAGGAGGAGGAGGA, p.Leu12_Glu13insAspGluGluGluGlu (NM_015120.4).
Identifiers: ClinVar variation 1927462 (VCV001927462.5), dbSNP rs764804760, ClinGen allele CA1260928545.
Genomic context (GRCh38, chr2:73,385,903, plus strand): 5'-TCTGCCGCCCAGAGCGAGACACCAACATGGAGCCCGAGGATCTGCCATGGCCGGGCGAGC[T>TCGAGGAGGAGGAGGA]GGAGGAGGAGGAGGAGGAGGAGGAGGAGGAGGAGGAGGAAGAGGAGGAGGCTGCAGCGGC-3'